The following is an entry in ClinVar:

NM_005228.5(EGFR):c.461C>G (p.Pro154Arg)

Gene: EGFR (epidermal growth factor receptor; plus strand). Cytogenetic location: 7p11.2.
Variant type: single nucleotide variant.
Coding change: c.461C>G on transcript NM_005228.5 (MANE Select); coding-DNA position 461, C replaced by G.
Protein change: p.Pro154Arg; replaces proline 154 with arginine.
Molecular consequence: missense variant. On other transcripts: intron variant (3).
Genome position (GRCh38, 1-based): chr7:55,146,642, C>G. VCF-style: chr7-55146642-C-G. GRCh37 (hg19) VCF-style: chr7-55214335-C-G.
Other names: c.461C>G, p.Pro154Arg (NM_001346898.2, NM_201282.2, NM_201283.2 and 1 more transcripts); c.302C>G, p.Pro101Arg (NM_001346900.2); c.424+3154C>G (NM_001346899.2, NM_001346897.2); c.89-9188C>G (NM_001346941.2); short protein forms P154R, P101R.
Identifiers: ClinVar variation 2006855 (VCV002006855.4), dbSNP rs2128929467, ClinGen allele CA367576538.

ClinVar aggregate classification (germline): Uncertain significance (1 of 4 stars; one submission).

Conditions:
EGFR-related lung cancer (EGFR). Identifiers: MedGen CN130014.

Submission:

Labcorp Genetics (formerly Invitae), Labcorp
Classification: Uncertain significance for EGFR-related lung cancer. Last evaluated: 2022-06-15. Review status: criteria provided, single submitter. Criteria: Invitae Variant Classification Sherloc (09022015). Collection method: clinical testing. Allele origin: germline.
Comment: This sequence change replaces proline, which is neutral and non-polar, with arginine, which is basic and polar, at codon 154 of the EGFR protein (p.Pro154Arg). This variant is not present in population databases (gnomAD no frequency). This variant has not been reported in the literature in individuals affected with EGFR-related conditions. Algorithms developed to predict the effect of missense changes on protein structure and function are either unavailable or do not agree on the potential impact of this missense change (SIFT: "Tolerated"; PolyPhen-2: "Possibly Damaging"; Align-GVGD: "Class C0"). In summary, the available evidence is currently insufficient to determine the role of this variant in disease. Therefore, it has been classified as a Variant of Uncertain Significance.